The following is an entry in ClinVar:

NM_001792.5(CDH2):c.392C>T (p.Ser131Leu)

Gene: CDH2 (cadherin 2; minus strand). Cytogenetic location: 18q12.1.
Variant type: single nucleotide variant.
Coding change: c.392C>T on transcript NM_001792.5 (MANE Select); coding-DNA position 392, C replaced by T.
Protein change: p.Ser131Leu; replaces serine 131 with leucine.
Molecular consequence: missense variant.
Genome position (GRCh38, 1-based): chr18:28,013,690, G>A on the plus strand (C>T on the coding strand, the complement: CDH2 is on the minus strand). VCF-style: chr18-28013690-G-A. GRCh37 (hg19) VCF-style: chr18-25593654-G-A.
Other names: c.392C>T (NM_001792.4); c.299C>T, p.Ser100Leu (NM_001308176.2); short protein forms S131L, S100L.
Identifiers: ClinVar variation 2451000 (VCV002451000.5), dbSNP rs202040611, ClinGen allele CA8923708.
Genomic context (GRCh38, chr18:28,013,690, plus strand): 5'-ACTGTATAAAGCTGATTTTTAACCAGCCCTAAAGCCATATTCGGATACTATACCTTCACT[G>A]ACTCCTCAGTTAAGGTTGGCTTCAGGCTCAATTTTACTGCCACTTGCCACTTTTCCTGGG-3'
Protein context (NP_001783.2, residues 121-141): LSLKPTLTEE[Ser131Leu]VKESAEVEEI

ClinVar aggregate classification (germline): Uncertain significance. Review status: criteria provided, multiple submitters, no conflicts (2 of 4 stars). 3 submissions from 3 submitters: Uncertain significance (2). 1 of the submissions does not count toward it. Last evaluated 2025-09-23.

Conditions:
Inborn genetic diseases. Identifiers: MedGen C0950123, MeSH D030342.
CDH2-related disorder. Also called: CDH2-related condition.

Allele frequency attached by ClinVar (database versions not stated): gnomAD exomes 0.00001; ExAC 0.00001; TOPMed 0.00002; gnomAD 0.00003.
gnomAD v4.1: 19 of 1,611,522 alleles (0.0012%); highest among the groups gnomAD compares: Non-Finnish European, 0.0015%; no homozygotes.

Submissions (3):

Labcorp Genetics (formerly Invitae), Labcorp
Classification: Uncertain significance. Last evaluated: 2025-09-23. Review status: criteria provided, single submitter. Criteria: Invitae Variant Classification Sherloc (09022015). Collection method: clinical testing. Allele origin: germline.
Comment: This sequence change replaces serine, which is neutral and polar, with leucine, which is neutral and non-polar, at codon 131 of the CDH2 protein (p.Ser131Leu). This variant is present in population databases (rs202040611, gnomAD 0.004%). This variant has not been reported in the literature in individuals affected with CDH2-related conditions. ClinVar contains an entry for this variant (Variation ID: 2451000). An algorithm developed to predict the effect of missense changes on protein structure and function (PolyPhen-2) suggests that this variant is likely to be tolerated. In summary, the available evidence is currently insufficient to determine the role of this variant in disease. Therefore, it has been classified as a Variant of Uncertain Significance.

Ambry Genetics
Classification: Uncertain significance for Inborn genetic diseases. Last evaluated: 2022-11-21. Review status: criteria provided, single submitter. Criteria: Ambry Variant Classification Scheme 2023. Collection method: clinical testing. Allele origin: germline.
Comment: The p.S131L variant (also known as c.392C>T), located in coding exon 3 of the CDH2 gene, results from a C to T substitution at nucleotide position 392. The serine at codon 131 is replaced by leucine, an amino acid with dissimilar properties. This amino acid position is conserved. In addition, this alteration is predicted to be tolerated by in silico analysis. Since supporting evidence is limited at this time, the clinical significance of this alteration remains unclear.

PreventionGenetics, part of Exact Sciences
Classification: Uncertain significance for CDH2-related condition. Last evaluated: 2024-08-13. Review status: no assertion criteria provided. Collection method: clinical testing. Allele origin: germline. Not counted in ClinVar's aggregate classification.
Comment: The CDH2 c.392C>T variant is predicted to result in the amino acid substitution p.Ser131Leu. To our knowledge, this variant has not been reported in the literature. This variant is reported in 0.0026% of alleles in individuals of European (Non-Finnish) descent in gnomAD. At this time, the clinical significance of this variant is uncertain due to the absence of conclusive functional and genetic evidence.